The following is an entry in ClinVar:

NC_000015.10:g.48411220_48411244delinsTC

Gene: FBN1 (fibrillin 1; minus strand). Cytogenetic location: 15q21.1.
Variant type: Indel.
Genome position: GRCh38 VCF-style: chr15-48411220-CGATCAAGTATCTGTTGTGATTCGT-TC. GRCh37 (hg19) VCF-style: chr15-48703417-CGATCAAGTATCTGTTGTGATTCGT-TC.
Other names: c.8362_8386delinsGA, p.Thr2788fs (NM_000138.5); short protein forms T2788fs.
Identifiers: ClinVar variation 42442 (VCV000042442.4), dbSNP rs397515862, ClinGen allele CA017698.

ClinVar aggregate classification (germline): Uncertain significance (1 of 4 stars; one submission).

Submission:

Laboratory for Molecular Medicine, Mass General Brigham Personalized Medicine
Classification: Uncertain significance. Last evaluated: 2011-09-26. Review status: criteria provided, single submitter. Criteria: LMM Criteria. Collection method: clinical testing. Allele origin: germline. Observed: 1 variant allele.
Comment: The Thr2788fs variant has not been reported in the literature nor identified by our laboratory. This variant is predicted to cause a frameshift which alters th e protein's amino acid sequence beginning at codon 2788 and resulting in a prema ture stop codon five amino acids downstream. This alteration is predicted to re sult in a protein truncated by approximately 79 amino acids (less than 3% of the total length of the FBN1 protein) since the premature stop codon is likely not sensitive to nonsense-mediated decay because it occurs in the terminal most exon . It is possible that this variant may impact essential amino acids in this dow nstream part of the protein. However, the true impact of this variant on the pro tein and its function remains unclear. In the absence of additional information , such as control data, functional analyses, or segregation studies, the clinica l significance of this variant cannot be determined at this time.